The following is an entry in ClinVar:

NM_001253697.2(ERBIN):c.3304G>A (p.Gly1102Arg)

Gene: ERBIN (erbb2 interacting protein; plus strand). Cytogenetic location: 5q12.3.
Variant type: single nucleotide variant.
Coding change: c.3304G>A on transcript NM_001253697.2 (MANE Select); coding-DNA position 3304, G replaced by A.
Protein change: p.Gly1102Arg; replaces glycine 1102 with arginine.
Molecular consequence: missense variant.
Genome position (GRCh38, 1-based): chr5:66,054,622, G>A. VCF-style: chr5-66054622-G-A. GRCh37 (hg19) VCF-style: chr5-65350450-G-A.
Other names: c.3304G>A, p.Gly1102Arg (NM_001006600.3, NM_001253698.2, NM_001253699.2 and 1 more transcripts); c.3292G>A, p.Gly1098Arg (NM_001253701.2); short protein forms G1102R, G1098R.
Identifiers: ClinVar variation 2896666 (VCV002896666.3), dbSNP rs1351977991, ClinGen allele CA359869550.

ClinVar aggregate classification (germline): Uncertain significance (1 of 4 stars; one submission).

Allele frequency attached by ClinVar (database versions not stated): gnomAD exomes below 0.00001; TOPMed 0.00001.
gnomAD v4.1: 2 of 1,614,136 alleles (0.00012%); highest among the groups gnomAD compares: Admixed American, 0.0033%; no homozygotes.

Submission:

Labcorp Genetics (formerly Invitae), Labcorp
Classification: Uncertain significance. Last evaluated: 2023-12-30. Review status: criteria provided, single submitter. Criteria: Invitae Variant Classification Sherloc (09022015). Collection method: clinical testing. Allele origin: germline.
Comment: This sequence change replaces glycine, which is neutral and non-polar, with arginine, which is basic and polar, at codon 1102 of the ERBIN protein (p.Gly1102Arg). This variant is present in population databases (no rsID available, gnomAD 0.006%). This variant has not been reported in the literature in individuals affected with ERBIN-related conditions. An algorithm developed to predict the effect of missense changes on protein structure and function (PolyPhen-2) suggests that this variant is likely to be tolerated. In summary, the available evidence is currently insufficient to determine the role of this variant in disease. Therefore, it has been classified as a Variant of Uncertain Significance.